The following is an entry in ClinVar:

NM_001374353.1(GLI2):c.4039G>A (p.Ala1347Thr)

Gene: GLI2 (GLI family zinc finger 2; plus strand). Cytogenetic location: 2q14.2.
Variant type: single nucleotide variant.
Coding change: c.4039G>A on transcript NM_001374353.1 (MANE Select); coding-DNA position 4039, G replaced by A.
Protein change: p.Ala1347Thr; replaces alanine 1347 with threonine.
Molecular consequence: missense variant.
Genome position (GRCh38, 1-based): chr2:120,990,004, G>A. VCF-style: chr2-120990004-G-A. GRCh37 (hg19) VCF-style: chr2-121747580-G-A.
Other names: c.4090G>A, p.Ala1364Thr (NM_001371271.1, NM_005270.5); c.3664G>A, p.Ala1222Thr (NM_001374354.1); short protein forms A1347T, A1364T, A1222T.
Identifiers: ClinVar variation 2174950 (VCV002174950.4), dbSNP rs878895919, ClinGen allele CA348177483.
Genomic context (GRCh38, chr2:120,990,004, plus strand): 5'-CTGCCTGCCCGCCAGCCTGGCTTCATGGAGCCCCAAACAGGCCCGATGGGGGTGGCTACA[G>A]CAGGCTTTGGCCTAGTGCAGCCCCGGCCTCCCCTCGAGCCCAGCCCCACTGGCCGCCACC-3'
Protein context (NP_001361282.1, residues 1337-1357): PQTGPMGVAT[Ala1347Thr]GFGLVQPRPP

ClinVar aggregate classification (germline): Uncertain significance (1 of 4 stars; one submission).

Conditions:
Postaxial polydactyly-anterior pituitary anomalies-facial dysmorphism syndrome. Also called: Culler-Jones syndrome. Identifiers: Orphanet 420584, MedGen C4014479, MONDO:0014369, OMIM 615849.
Holoprosencephaly 9 (HPE9). Also called: PITUITARY ANOMALIES WITH HOLOPROSENCEPHALY-LIKE FEATURES; HOLOPROSENCEPHALY WITH MICROPHTHALMIA AND FIRST BRANCHIAL ARCH ANOMALIES. Identifiers: Orphanet 2162, MedGen C1835819, MONDO:0012563, OMIM 610829.

Allele frequency attached by ClinVar (database versions not stated): gnomAD 0.00001; TOPMed 0.00001.
gnomAD v4.1: 3 of 1,609,254 alleles (0.00019%); highest among the groups gnomAD compares: Admixed American, 0.0034%; no homozygotes.

Submission:

Labcorp Genetics (formerly Invitae), Labcorp
Classification: Uncertain significance for Postaxial polydactyly-anterior pituitary anomalies-facial dysmorphism syndrome; Holoprosencephaly 9. Last evaluated: 2022-02-09. Review status: criteria provided, single submitter. Criteria: Invitae Variant Classification Sherloc (09022015). Collection method: clinical testing. Allele origin: germline.
Comment: Algorithms developed to predict the effect of missense changes on protein structure and function (SIFT, PolyPhen-2, Align-GVGD) all suggest that this variant is likely to be tolerated. In summary, the available evidence is currently insufficient to determine the role of this variant in disease. Therefore, it has been classified as a Variant of Uncertain Significance. This variant has not been reported in the literature in individuals affected with GLI2-related conditions. This variant is not present in population databases (gnomAD no frequency). This sequence change replaces alanine, which is neutral and non-polar, with threonine, which is neutral and polar, at codon 1364 of the GLI2 protein (p.Ala1364Thr).